The following is an entry in ClinVar:

ClinVar aggregate classification (germline): Uncertain significance. Review status: criteria provided, multiple submitters, no conflicts (2 of 4 stars). 2 submissions from 2 submitters: Uncertain significance (2). Last evaluated 2025-06-12.

Conditions:
Inborn genetic diseases. Identifiers: MedGen C0950123, MeSH D030342.

gnomAD v4.1: 1 of 1,614,216 alleles (0.000062%); highest among the groups gnomAD compares: Non-Finnish European, 0.000085%; no homozygotes.

Submissions (2):

Ambry Genetics
Classification: Uncertain significance for Inborn genetic diseases. Last evaluated: 2025-06-12. Review status: criteria provided, single submitter. Criteria: Ambry Variant Classification Scheme 2023. Collection method: clinical testing. Allele origin: germline.

Labcorp Genetics (formerly Invitae), Labcorp
Classification: Uncertain significance. Last evaluated: 2024-05-02. Review status: criteria provided, single submitter. Criteria: Invitae Variant Classification Sherloc (09022015). Collection method: clinical testing. Allele origin: germline.
Comment: This sequence change replaces histidine, which is basic and polar, with glutamine, which is neutral and polar, at codon 889 of the TRRAP protein (p.His889Gln). This variant is present in population databases (rs781796169, gnomAD 0.0009%). This variant has not been reported in the literature in individuals affected with TRRAP-related conditions. Advanced modeling of protein sequence and biophysical properties (such as structural, functional, and spatial information, amino acid conservation, physicochemical variation, residue mobility, and thermodynamic stability) performed at Invitae indicates that this missense variant is not expected to disrupt TRRAP protein function with a negative predictive value of 80%. In summary, the available evidence is currently insufficient to determine the role of this variant in disease. Therefore, it has been classified as a Variant of Uncertain Significance.

NM_001375524.1(TRRAP):c.2667C>G (p.His889Gln)

Gene: TRRAP (transformation/transcription domain associated protein; plus strand). Cytogenetic location: 7q22.1.
Variant type: single nucleotide variant.
Coding change: c.2667C>G on transcript NM_001375524.1 (MANE Select); coding-DNA position 2667, C replaced by G.
Protein change: p.His889Gln; replaces histidine 889 with glutamine.
Molecular consequence: missense variant.
Genome position (GRCh38, 1-based): chr7:98,921,797, C>G. VCF-style: chr7-98921797-C-G. GRCh37 (hg19) VCF-style: chr7-98519420-C-G.
Other names: c.2667C>G (NM_001244580.1); c.2667C>G, p.His889Gln (NM_001244580.2, NM_003496.4); short protein forms H889Q.
Identifiers: ClinVar variation 3717816 (VCV003717816.3).
Genomic context (GRCh38, chr7:98,921,797, plus strand): 5'-GCACGCTGATTTTCAGGCTCTGTGGCGCACCTTACGCAACCCTGCTGACAGCATCTCCCA[C>G]GTGGCCTACCGTGTGCTCGGTAAGTTTGGCGGCAGTAACAGGAAGATGCTGAAGGAGTCG-3'
Protein context (NP_001362453.1, residues 879-899): TLRNPADSIS[His889Gln]VAYRVLGKFG